The following is an entry in ClinVar:

NM_030665.4(RAI1):c.2403G>A (p.Glu801=)

Gene: RAI1 (retinoic acid induced 1; plus strand). Cytogenetic location: 17p11.2.
Variant type: single nucleotide variant.
Coding change: c.2403G>A on transcript NM_030665.4 (MANE Select); coding-DNA position 2403, G replaced by A.
Protein change: p.Glu801=; no amino-acid change (glutamic acid 801 retained).
Molecular consequence: synonymous variant.
Genome position (GRCh38, 1-based): chr17:17,795,351, G>A. VCF-style: chr17-17795351-G-A. GRCh37 (hg19) VCF-style: chr17-17698665-G-A.
Other names: c.2403G>A (NM_030665.3).
Identifiers: ClinVar variation 2061410 (VCV002061410.5), dbSNP rs375476233, ClinGen allele CA8418528.

ClinVar aggregate classification (germline): Likely benign. Review status: criteria provided, single submitter (1 of 4 stars). 2 submissions from 2 submitters: Likely benign (1). 1 of the submissions does not count toward it. Last evaluated 2022-02-20.

Conditions:
RAI1-related disorder. Also called: RAI1-related condition.

Allele frequency attached by ClinVar (database versions not stated): ExAC 0.00001; gnomAD 0.00001; gnomAD exomes 0.00001; TOPMed 0.00001; ESP Exome Variant Server 0.00008.
gnomAD v4.1: 16 of 1,599,680 alleles (0.001%); highest among the groups gnomAD compares: Non-Finnish European, 0.0013%; no homozygotes.

Submissions (2):

Labcorp Genetics (formerly Invitae), Labcorp
Classification: Likely benign. Last evaluated: 2022-02-20. Review status: criteria provided, single submitter. Criteria: Invitae Variant Classification Sherloc (09022015). Collection method: clinical testing. Allele origin: germline.

PreventionGenetics, part of Exact Sciences
Classification: Likely benign for RAI1-related condition. Last evaluated: 2021-05-10. Review status: no assertion criteria provided. Collection method: clinical testing. Allele origin: germline. Not counted in ClinVar's aggregate classification.
Comment: This variant is classified as likely benign based on ACMG/AMP sequence variant interpretation guidelines (Richards et al. 2015 PMID: 25741868, with internal and published modifications).